The following is an entry in ClinVar:

NM_000414.4(HSD17B4):c.1103G>C (p.Ser368Thr)

Gene: HSD17B4 (hydroxysteroid 17-beta dehydrogenase 4; plus strand). Cytogenetic location: 5q23.1.
Variant type: single nucleotide variant.
Coding change: c.1103G>C on transcript NM_000414.4 (MANE Select); coding-DNA position 1103, G replaced by C.
Protein change: p.Ser368Thr; replaces serine 368 with threonine.
Molecular consequence: missense variant. On other transcripts: non-coding transcript variant (2).
Genome position (GRCh38, 1-based): chr5:119,499,447, G>C. VCF-style: chr5-119499447-G-C. GRCh37 (hg19) VCF-style: chr5-118835142-G-C.
Other names: c.1178G>C, p.Ser393Thr (NM_001199291.3); c.1049G>C, p.Ser350Thr (NM_001199292.2); c.1031G>C, p.Ser344Thr (NM_001292027.2); c.683G>C, p.Ser228Thr (NM_001292028.2); c.1094G>C, p.Ser365Thr (NM_001374497.1); c.1103G>C, p.Ser368Thr (NM_001374498.1); c.776G>C, p.Ser259Thr (NM_001374499.1); c.662G>C, p.Ser221Thr (NM_001374500.1); and 1 more; short protein forms S221T, S228T, S231T, S259T, S344T, S350T, S365T, S368T.
Identifiers: ClinVar variation 3773930 (VCV003773930.1).

ClinVar aggregate classification (germline): Uncertain significance (1 of 4 stars; one submission).

Submission:

GeneDx
Classification: Uncertain significance. Last evaluated: 2024-04-16. Review status: criteria provided, single submitter. Criteria: GeneDx Variant Classification Process June 2021. Collection method: clinical testing. Allele origin: germline. Affected: yes.
Comment: Not observed at significant frequency in large population cohorts (gnomAD); In silico analysis supports that this missense variant does not alter protein structure/function; Has not been previously published as pathogenic or benign to our knowledge